The following is an entry in ClinVar:

ClinVar aggregate classification (germline): Uncertain significance. Review status: criteria provided, multiple submitters, no conflicts (2 of 4 stars). 2 submissions from 2 submitters: Uncertain significance (2). Last evaluated 2025-08-08.

Conditions:
Hereditary cancer-predisposing syndrome. Also called: Tumor predisposition; Hereditary neoplastic syndrome; Neoplastic Syndromes, Hereditary; Hereditary Cancer Syndrome. Identifiers: Orphanet 140162, MedGen C0027672, MeSH D009386, MONDO:0015356.

Allele frequency attached by ClinVar (database versions not stated): gnomAD exomes 0.00001 and 0.00002; ExAC 0.00002.
gnomAD v4.1: 20 of 1,613,620 alleles (0.0012%); highest among the groups gnomAD compares: East Asian, 0.013%; no homozygotes.

Submissions (2):

Labcorp Genetics (formerly Invitae), Labcorp
Classification: Uncertain significance. Last evaluated: 2025-08-08. Review status: criteria provided, single submitter. Criteria: Invitae Variant Classification Sherloc (09022015). Collection method: clinical testing. Allele origin: germline.
Comment: This sequence change replaces isoleucine, which is neutral and non-polar, with threonine, which is neutral and polar, at codon 27 of the XRCC2 protein (p.Ile27Thr). This variant is present in population databases (rs761161980, gnomAD 0.01%). This variant has not been reported in the literature in individuals affected with XRCC2-related conditions. ClinVar contains an entry for this variant (Variation ID: 1492969). Invitae Evidence Modeling of protein sequence and biophysical properties (such as structural, functional, and spatial information, amino acid conservation, physicochemical variation, residue mobility, and thermodynamic stability) indicates that this missense variant is not expected to disrupt XRCC2 protein function with a negative predictive value of 80%. In summary, the available evidence is currently insufficient to determine the role of this variant in disease. Therefore, it has been classified as a Variant of Uncertain Significance.

Ambry Genetics
Classification: Uncertain significance for Hereditary cancer-predisposing syndrome. Last evaluated: 2025-05-24. Review status: criteria provided, single submitter. Criteria: Ambry Variant Classification Scheme 2023. Collection method: clinical testing. Allele origin: germline.
Comment: The p.I27T variant (also known as c.80T>C), located in coding exon 2 of the XRCC2 gene, results from a T to C substitution at nucleotide position 80. The isoleucine at codon 27 is replaced by threonine, an amino acid with similar properties. This amino acid position is not well conserved in available vertebrate species. In addition, this alteration is predicted to be tolerated by in silico analysis. Since supporting evidence is limited at this time, the clinical significance of this alteration remains unclear.

NM_005431.2(XRCC2):c.80T>C (p.Ile27Thr)

Gene: XRCC2 (X-ray repair cross complementing 2; minus strand). Cytogenetic location: 7q36.1.
Variant type: single nucleotide variant.
Coding change: c.80T>C on transcript NM_005431.2 (MANE Select); coding-DNA position 80, T replaced by C.
Protein change: p.Ile27Thr; replaces isoleucine 27 with threonine.
Molecular consequence: missense variant.
Genome position (GRCh38, 1-based): chr7:152,660,742, A>G on the plus strand (T>C on the coding strand, the complement: XRCC2 is on the minus strand). VCF-style: chr7-152660742-A-G. GRCh37 (hg19) VCF-style: chr7-152357827-A-G.
Other names: short protein forms I27T.
Identifiers: ClinVar variation 1492969 (VCV001492969.10), dbSNP rs761161980, ClinGen allele CA4582408.